The following is an entry in ClinVar:

ClinVar aggregate classification (germline): Uncertain significance. Review status: criteria provided, single submitter (1 of 4 stars). 2 submissions from 2 submitters: Uncertain significance (1). 1 of the submissions does not count toward it. Last evaluated 2022-02-16.

Conditions:
Facioscapulohumeral muscular dystrophy 2 (FSHD2). Also called: FACIOSCAPULOHUMERAL MUSCULAR DYSTROPHY 2, DIGENIC; FSHD2, DIGENIC; MUSCULAR DYSTROPHY, FACIOSCAPULOHUMERAL, TYPE 1B. Identifiers: Orphanet 269, MedGen C1834671, MONDO:0008031, OMIM 158901.
Shoulder girdle muscle weakness. Identifiers: MedGen C0427063, HP:0003547.

Submissions (2):

MGZ Medical Genetics Center
Classification: Uncertain significance for Facioscapulohumeral muscular dystrophy 2. Last evaluated: 2022-02-16. Review status: criteria provided, single submitter. Criteria: ACMG Guidelines, 2015. Collection method: clinical testing. Allele origin: germline. Affected: yes. Observed: 1 variant allele.
Comment: ACMG criteria applied: PM2_SUP, PP3, PP4

Institute of Human Genetics, University of Wuerzburg
Classification: Likely pathogenic for Shoulder girdle muscle weakness. Review status: no assertion criteria provided. Collection method: clinical testing. Allele origin: unknown. Not counted in ClinVar's aggregate classification.

NM_015295.3(SMCHD1):c.3927+2dup

Gene: SMCHD1 (structural maintenance of chromosomes flexible hinge domain containing 1; plus strand). Cytogenetic location: 18p11.32.
Variant type: Duplication.
Coding change: c.3927+2dup on transcript NM_015295.3 (MANE Select); the canonical splice donor site of the intron after coding-DNA position 3927, one base duplicated (T; older notation c.3927+2dupT).
Molecular consequence: splice donor variant.
Genome position (GRCh38, 1-based): chr18:2,747,649, T duplicated. VCF-style (leftmost placement, unchanged base first): chr18-2747648-G-GT. GRCh37 (hg19) VCF-style: chr18-2747646-G-GT.
Other names: c.3927+1_3927+2insT (NM_015295.3).
Identifiers: ClinVar variation 981185 (VCV000981185.3), dbSNP rs2075481193, ClinGen allele CA1139665942.